The following is an entry in ClinVar:

NM_000553.6(WRN):c.3427C>G (p.Pro1143Ala)

Gene: WRN (WRN RecQ like helicase; plus strand). Cytogenetic location: 8p12.
Variant type: single nucleotide variant.
Coding change: c.3427C>G on transcript NM_000553.6 (MANE Select); coding-DNA position 3427, C replaced by G.
Protein change: p.Pro1143Ala; replaces proline 1143 with alanine.
Molecular consequence: missense variant.
Genome position (GRCh38, 1-based): chr8:31,147,096, C>G. VCF-style: chr8-31147096-C-G. GRCh37 (hg19) VCF-style: chr8-31004612-C-G.
Other names: c.3427C>G (NM_000553.4); short protein forms P1143A.
Identifiers: ClinVar variation 1425662 (VCV001425662.4), dbSNP rs1177812319, ClinGen allele CA370925384.
Genomic context (GRCh38, chr8:31,147,096, plus strand): 5'-TCTTTTAAATATTTTAGTATCATGGTACAGTCACCAGAAAAAGCTTACAGTTCCTCACAG[C>G]CTGTTATTTCGGCACAAGAGCAGGAGACTCAGGTAAGGCTTTTGTAAAAAGGTAATTAGT-3'
Protein context (NP_000544.2, residues 1133-1153): SPEKAYSSSQ[Pro1143Ala]VISAQEQETQ

ClinVar aggregate classification (germline): Uncertain significance. Review status: criteria provided, multiple submitters, no conflicts (2 of 4 stars). 2 submissions from 2 submitters: Uncertain significance (2). Last evaluated 2025-08-07.

Conditions:
Inborn genetic diseases. Identifiers: MedGen C0950123, MeSH D030342.
Werner syndrome (WRN). Identifiers: Orphanet 902, MedGen C0043119, MONDO:0010196, OMIM 277700.

Allele frequency attached by ClinVar (database versions not stated): gnomAD exomes 0.00002.
gnomAD v4.1: 23 of 1,613,758 alleles (0.0014%); highest among the groups gnomAD compares: South Asian, 0.013%; no homozygotes.

Submissions (2):

Ambry Genetics
Classification: Uncertain significance for Inborn genetic diseases. Last evaluated: 2025-08-07. Review status: criteria provided, single submitter. Criteria: Ambry Variant Classification Scheme 2023. Collection method: clinical testing. Allele origin: germline.

Labcorp Genetics (formerly Invitae), Labcorp
Classification: Uncertain significance for Werner syndrome. Last evaluated: 2021-11-01. Review status: criteria provided, single submitter. Criteria: Invitae Variant Classification Sherloc (09022015). Collection method: clinical testing. Allele origin: germline.
Comment: This sequence change replaces proline, which is neutral and non-polar, with alanine, which is neutral and non-polar, at codon 1143 of the WRN protein (p.Pro1143Ala). This variant is present in population databases (no rsID available, gnomAD 0.01%). This variant has not been reported in the literature in individuals affected with WRN-related conditions. Algorithms developed to predict the effect of missense changes on protein structure and function output the following: SIFT: "Not Available"; PolyPhen-2: "Benign"; Align-GVGD: "Not Available". The alanine amino acid residue is found in multiple mammalian species, which suggests that this missense change does not adversely affect protein function. In summary, the available evidence is currently insufficient to determine the role of this variant in disease. Therefore, it has been classified as a Variant of Uncertain Significance.